The following is an entry in ClinVar:

ClinVar aggregate classification (germline): Conflicting classifications of pathogenicity. Review status: criteria provided, conflicting classifications (1 of 4 stars). 2 submissions from 2 submitters: Likely pathogenic (1); Uncertain significance (1). Last evaluated 2023-11-03.

Conditions:
Nonsyndromic genetic hearing loss. Also called: Nonsyndromic hearing loss and deafness; Nonsyndromic genetic deafness; Non-syndromic genetic deafness. Identifiers: Orphanet 87884, MedGen C5680182, MONDO:0019497.

Allele frequency attached by ClinVar (database versions not stated): gnomAD exomes below 0.00001; TOPMed below 0.00001.

Submissions (2):

Labcorp Genetics (formerly Invitae), Labcorp
Classification: Uncertain significance. Last evaluated: 2023-11-03. Review status: criteria provided, single submitter. Criteria: Invitae Variant Classification Sherloc (09022015). Collection method: clinical testing. Allele origin: germline.
Comment: This sequence change replaces isoleucine, which is neutral and non-polar, with valine, which is neutral and non-polar, at codon 128 of the GJB2 protein (p.Ile128Val). This variant is not present in population databases (gnomAD no frequency). This missense change has been observed in individual(s) with deafness (Invitae). In at least one individual the data is consistent with being in trans (on the opposite chromosome) from a pathogenic variant. ClinVar contains an entry for this variant (Variation ID: 1326933). Advanced modeling of protein sequence and biophysical properties (such as structural, functional, and spatial information, amino acid conservation, physicochemical variation, residue mobility, and thermodynamic stability) performed at Invitae indicates that this missense variant is expected to disrupt GJB2 protein function with a positive predictive value of 80%. In summary, the available evidence is currently insufficient to determine the role of this variant in disease. Therefore, it has been classified as a Variant of Uncertain Significance.

INGEBI, INGEBI / CONICET
Classification: Likely pathogenic for Nonsyndromic genetic hearing loss. Last evaluated: 2021-12-03. Review status: criteria provided, single submitter. Criteria: ClinGen HL ACMG Specifications v1. Collection method: clinical testing. Allele origin: germline. Inheritance: Autosomal recessive inheritance. Affected: yes. Observed: 1 compound heterozygote.
Comment: Based on ACMG/AMP guidelines and Hearing Loss Expert Panel specific criteria: the c.382A>G, p.(Ile128Val) variant in GJB2 gene is absent from population databases (gnomAD, GO-ESP, 1000 genomes) meeting PM2 criteria. Computational evidence is not enoguh to meet neither PP3 nor BP4, since REVEL value is 0.635. A different missense change in the same aminoacid position (p.Ile128Met) was recorded in "Deafness Variation Database" as pathogenic, meeting PM5 criteria. Considering all the evidence, the c.382A>G variant meets criteria to be classified as likely pathogenic for autosomal recessive non-syndromic hearing loss (PM2, PM3 and PM5)

NM_004004.6(GJB2):c.382A>G (p.Ile128Val)

Gene: GJB2 (gap junction protein beta 2; minus strand). Cytogenetic location: 13q12.11.
Variant type: single nucleotide variant.
Coding change: c.382A>G on transcript NM_004004.6 (MANE Select); coding-DNA position 382, A replaced by G.
Protein change: p.Ile128Val; replaces isoleucine 128 with valine.
Molecular consequence: missense variant.
Genome position (GRCh38, 1-based): chr13:20,189,200, T>C on the plus strand (A>G on the coding strand, the complement: GJB2 is on the minus strand). VCF-style: chr13-20189200-T-C. GRCh37 (hg19) VCF-style: chr13-20763339-T-C.
Other names: short protein forms I128V.
Identifiers: ClinVar variation 1326933 (VCV001326933.5), dbSNP rs1959058329, ClinGen allele CA387461265.